The following is an entry in ClinVar:

ClinVar aggregate classification (germline): Uncertain significance (1 of 4 stars; one submission).

Conditions:
Inborn genetic diseases. Identifiers: MedGen C0950123, MeSH D030342.

Submission:

Ambry Genetics
Classification: Uncertain significance for Inborn genetic diseases. Last evaluated: 2022-04-27. Review status: criteria provided, single submitter. Criteria: Ambry Variant Classification Scheme 2023. Collection method: clinical testing. Allele origin: germline.
Comment: The p.I244M variant (also known as c.732T>G), located in coding exon 4 of the ATR gene, results from a T to G substitution at nucleotide position 732. The isoleucine at codon 244 is replaced by methionine, an amino acid with highly similar properties. This amino acid position is conserved. In addition, this alteration is predicted to be tolerated by in silico analysis. Since supporting evidence is limited at this time, the clinical significance of this alteration remains unclear.

NM_001184.4(ATR):c.732T>G (p.Ile244Met)

Gene: ATR (ATR checkpoint kinase; minus strand). Cytogenetic location: 3q23.
Variant type: single nucleotide variant.
Coding change: c.732T>G on transcript NM_001184.4 (MANE Select); coding-DNA position 732, T replaced by G.
Protein change: p.Ile244Met; replaces isoleucine 244 with methionine.
Molecular consequence: missense variant.
Genome position (GRCh38, 1-based): chr3:142,562,670, A>C on the plus strand (T>G on the coding strand, the complement: ATR is on the minus strand). VCF-style: chr3-142562670-A-C. GRCh37 (hg19) VCF-style: chr3-142281512-A-C.
Other names: c.732T>G, p.Ile244Met (NM_001354579.2); short protein forms I244M.
Identifiers: ClinVar variation 1758381 (VCV001758381.2), dbSNP rs2473427868, ClinGen allele CA354825789.